The following is an entry in ClinVar:

NM_003823.4(TNFRSF6B):c.633_634del (p.Cys211_Glu212delinsTer)

Genes: RTEL1-TNFRSF6B (RTEL1-TNFRSF6B readthrough (NMD candidate); plus strand), TNFRSF6B (TNF receptor superfamily member 6b; plus strand). Cytogenetic location: 20q13.33.
Variant type: Microsatellite.
Coding change: c.633_634del on transcript NM_003823.4 (MANE Select); coding-DNA positions 633 to 634, 2 bases deleted (TG; older notation c.633_634delTG).
Protein change: p.Cys211_Glu212delinsTer.
Molecular consequence: nonsense. On other transcripts: non-coding transcript variant (1).
Genome position (GRCh38, 1-based): chr20:63,698,293-63,698,294, TG deleted; deleting any 2 consecutive bases within chr20:63,698,290-63,698,294 gives the same sequence; the c. name uses the placement nearest the transcript's 3' end. VCF-style (leftmost placement, unchanged base first): chr20-63698289-AGT-A. GRCh37 (hg19) VCF-style: chr20-62329642-AGT-A.
Identifiers: ClinVar variation 1441225 (VCV001441225.8), dbSNP rs769164134, ClinGen allele CA9966535.

ClinVar aggregate classification (germline): Uncertain significance (1 of 4 stars; one submission).

Submission:

Labcorp Genetics (formerly Invitae), Labcorp
Classification: Uncertain significance. Last evaluated: 2025-11-10. Review status: criteria provided, single submitter. Criteria: Invitae Variant Classification Sherloc (09022015). Collection method: clinical testing. Allele origin: germline.
Comment: This sequence change creates a premature translational stop signal (p.Cys211*) in the TNFRSF6B gene. While this is not anticipated to result in nonsense mediated decay, it is expected to disrupt the last 90 amino acid(s) of the TNFRSF6B protein. This variant is present in population databases (rs769164134, gnomAD 0.009%). This variant has not been reported in the literature in individuals affected with TNFRSF6B-related conditions. Experimental studies and prediction algorithms are not available or were not evaluated, and the functional significance of this variant is currently unknown. In summary, the available evidence is currently insufficient to determine the role of this variant in disease. Therefore, it has been classified as a Variant of Uncertain Significance.